The following is an entry in ClinVar:

NM_001142617.2(STRA6):c.-16+1080T>G

Genes: STRA6 (signaling receptor and transporter of retinol STRA6; minus strand), CCDC33 (coiled-coil domain containing 33; plus strand). Cytogenetic location: 15q24.1.
Variant type: single nucleotide variant.
Coding change: c.-16+1080T>G on transcript NM_001142617.2; 1080 bases into the intron after 16 bases upstream of the start codon, T replaced by G.
Molecular consequence: intron variant. On other transcripts: missense variant (1).
Genome position (GRCh38, 1-based): chr15:74,207,720, A>C on the plus strand (T>G on the coding strand, the complement: STRA6 is on the minus strand). VCF-style: chr15-74207720-A-C. GRCh37 (hg19) VCF-style: chr15-74500061-A-C.
Other names: c.7T>G, p.Ser3Ala (NM_001199041.2); c.-16+4407T>G (NM_001437994.1); c.96+1639T>G (NM_001199040.2); c.-16+1080T>G (NM_001142619.2, NM_001142620.2); short protein forms S3A.
Identifiers: ClinVar variation 1049279 (VCV001049279.3), dbSNP rs2142112800, ClinGen allele CA393143169.

ClinVar aggregate classification (germline): Uncertain significance (0 of 4 stars; one submission).

Allele frequency attached by ClinVar (database versions not stated): gnomAD exomes 0.00002.
gnomAD v4.1: 33 of 1,535,706 alleles (0.0021%); highest among the groups gnomAD compares: Non-Finnish European, 0.0029%; no homozygotes.

Submission:

Department of Pathology and Laboratory Medicine, Sinai Health System
Classification: Uncertain significance. Review status: no assertion criteria provided. Collection method: clinical testing. Allele origin: unknown. Affected: yes. Study: The Canadian Open Genetics Repository (COGR).
Comment: The STRA6 p.Ser3Ala variant was not identified in the literature nor was it identified in the dbSNP, ClinVar, Cosmic, MutDB or LOVD 3.0 databases. The variant was not identified in the following control databases: the 1000 Genomes Project, the NHLBI GO Exome Sequencing Project, the Exome Aggregation Consortium (August 8th 2016), or the Genome Aggregation Database (Feb 27, 2017). The p.Ser3 residue is not conserved in mammals and four out of five computational analyses (SIFT, AlignGVGD, BLOSUM, and MutationTaster) do not suggest a high likelihood of impact to the protein; however, this information is not predictive enough to rule out pathogenicity. In summary, based on the above information the clinical significance of this variant cannot be determined with certainty at this time. This variant is classified as a variant of uncertain significance.